The following is an entry in ClinVar:

NM_019042.5(PUS7):c.31C>T (p.Leu11=)

Gene: PUS7 (pseudouridine synthase 7; minus strand). Cytogenetic location: 7q22.3.
Variant type: single nucleotide variant.
Coding change: c.31C>T on transcript NM_019042.5 (MANE Select); coding-DNA position 31, C replaced by T.
Protein change: p.Leu11=; no amino-acid change (leucine 11 retained).
Molecular consequence: synonymous variant.
Genome position (GRCh38, 1-based): chr7:105,508,482, G>A on the plus strand (C>T on the coding strand, the complement: PUS7 is on the minus strand). VCF-style: chr7-105508482-G-A. GRCh37 (hg19) VCF-style: chr7-105148929-G-A.
Other names: c.31C>T, p.Leu11= (NM_001318163.1, NM_001318164.2).
Identifiers: ClinVar variation 2657919 (VCV002657919.24), dbSNP rs1272303862, ClinGen allele CA457201651.

ClinVar aggregate classification (germline): Likely benign (1 of 4 stars; one submission).

Allele frequency attached by ClinVar (database versions not stated): TOPMed below 0.00001; gnomAD 0.00001; gnomAD exomes 0.00001.
gnomAD v4.1: 4 of 1,613,748 alleles (0.00025%); no homozygotes.

Submission:

CeGaT Center for Human Genetics Tuebingen
Classification: Likely benign. Last evaluated: 2023-09-01. Review status: criteria provided, single submitter. Criteria: CeGaT Center For Human Genetics Tuebingen Variant Classification Criteria Version 2. Collection method: clinical testing. Allele origin: germline. Affected: yes. Observed: 1 variant allele.
Comment: PUS7: BP4, BP7